The following is an entry in ClinVar:

NM_002454.3(MTRR):c.857C>T (p.Thr286Met)

Gene: MTRR (5-methyltetrahydrofolate-homocysteine methyltransferase reductase; plus strand). Cytogenetic location: 5p15.31.
Variant type: single nucleotide variant.
Coding change: c.857C>T on transcript NM_002454.3 (MANE Select); coding-DNA position 857, C replaced by T.
Protein change: p.Thr286Met; replaces threonine 286 with methionine.
Molecular consequence: missense variant. On other transcripts: non-coding transcript variant (14).
Genome position (GRCh38, 1-based): chr5:7,883,231, C>T. VCF-style: chr5-7883231-C-T. GRCh37 (hg19) VCF-style: chr5-7883344-C-T.
Other names: p.Thr286Met; c.857C>T, p.Thr286Met (NM_001364440.2, NM_001364441.2, NM_001364442.2 and 1 more transcripts); short protein forms T286M.
Identifiers: ClinVar variation 702181 (VCV000702181.13), dbSNP rs79430644, ClinGen allele CA3195714.

ClinVar aggregate classification (germline): Benign/Likely benign. Review status: criteria provided, multiple submitters, no conflicts (2 of 4 stars). 3 submissions from 3 submitters: Benign (1); Likely benign (1). 1 of the submissions does not count toward it. Last evaluated 2026-01-26.

Conditions:
Methylcobalamin deficiency type cblE (HMAE). Also called: HOMOCYSTINURIA-MEGALOBLASTIC ANEMIA, cblE COMPLEMENTATION TYPE; HOMOCYSTINURIA-MEGALOBLASTIC ANEMIA, cblE TYPE; VITAMIN B12-RESPONSIVE HOMOCYSTINURIA, cblE TYPE. Identifiers: Orphanet 2169, Orphanet 622, MedGen C1856057, MONDO:0009354, OMIM 236270.

Allele frequency attached by ClinVar (database versions not stated): gnomAD exomes 0.00018 and 0.00052; ExAC 0.00067; gnomAD 0.00187 and 0.00198; ESP Exome Variant Server 0.00192; TOPMed 0.00201; 1000 Genomes Project 0.00220; 1000 Genomes Project 30x 0.00312.
gnomAD v4.1: 558 of 1,614,208 alleles (0.035%); highest among the groups gnomAD compares: African/African-American, 0.6%; 1 homozygote.

Submissions (3):

Labcorp Genetics (formerly Invitae), Labcorp
Classification: Likely benign for Methylcobalamin deficiency type cblE. Last evaluated: 2026-01-26. Review status: criteria provided, single submitter. Criteria: Invitae Variant Classification Sherloc (09022015). Collection method: clinical testing. Allele origin: germline.

Mayo Clinic Laboratories, Mayo Clinic
Classification: Benign. Last evaluated: 2024-12-03. Review status: criteria provided, single submitter. Criteria: ACMG Guidelines, 2015. Collection method: clinical testing. Allele origin: germline. Observed: 1 variant allele.
Comment: BA1, BP4

Natera, Inc.
Classification: Likely benign for CblE complementation type homocystinuria-megaloblastic anemia due to defect in cobalamin metabolism. Last evaluated: 2019-12-29. Review status: no assertion criteria provided. Collection method: clinical testing. Allele origin: germline. Not counted in ClinVar's aggregate classification.